The following is an entry in ClinVar:

ClinVar aggregate classification (germline): Uncertain significance (1 of 4 stars; one submission).

Conditions:
Hereditary sensory and autonomic neuropathy type 6. Also called: Neuropathy, hereditary sensory and autonomic, type VI; HSAN VI. Identifiers: Orphanet 314381, MedGen C3539003, MONDO:0013839, OMIM 614653.
Epidermolysis bullosa simplex 3, localized or generalized intermediate, with BP230 deficiency (EBS3). Also called: Epidermolysis bullosa simplex due to BP230 deficiency; Epidermolysis bullosa simplex, autosomal recessive 2. Identifiers: Orphanet 412181, MedGen C3809470, MONDO:0014180, OMIM 615425.

Allele frequency attached by ClinVar (database versions not stated): gnomAD exomes below 0.00001; gnomAD 0.00002; TOPMed 0.00002.
gnomAD v4.1: 4 of 1,613,416 alleles (0.00025%); highest among the groups gnomAD compares: African/African-American, 0.0053%; no homozygotes.

Submission:

Labcorp Genetics (formerly Invitae), Labcorp
Classification: Uncertain significance for Epidermolysis bullosa simplex 3, localized or generalized intermediate, with BP230 deficiency; Hereditary sensory and autonomic neuropathy type 6. Last evaluated: 2024-10-22. Review status: criteria provided, single submitter. Criteria: Invitae Variant Classification Sherloc (09022015). Collection method: clinical testing. Allele origin: germline.
Comment: This sequence change replaces glycine, which is neutral and non-polar, with aspartic acid, which is acidic and polar, at codon 961 of the DST protein (p.Gly961Asp). This variant is present in population databases (no rsID available, gnomAD 0.03%). This variant has not been reported in the literature in individuals affected with DST-related conditions. ClinVar contains an entry for this variant (Variation ID: 1971272). An algorithm developed to predict the effect of missense changes on protein structure and function (PolyPhen-2) suggests that this variant is likely to be disruptive. In summary, the available evidence is currently insufficient to determine the role of this variant in disease. Therefore, it has been classified as a Variant of Uncertain Significance.

NM_001374736.1(DST):c.4493G>A (p.Gly1498Asp)

Gene: DST (dystonin; minus strand). Cytogenetic location: 6p12.1.
Variant type: single nucleotide variant.
Coding change: c.4493G>A on transcript NM_001374736.1 (MANE Select); coding-DNA position 4493, G replaced by A.
Protein change: p.Gly1498Asp; replaces glycine 1498 with aspartic acid.
Molecular consequence: missense variant.
Genome position (GRCh38, 1-based): chr6:56,628,144, C>T on the plus strand (G>A on the coding strand, the complement: DST is on the minus strand). VCF-style: chr6-56628144-C-T. GRCh37 (hg19) VCF-style: chr6-56492942-C-T.
Other names: c.3860G>A, p.Gly1287Asp (NM_001386100.1, NM_183380.4, NM_001374729.1 and 1 more transcripts); c.2882G>A, p.Gly961Asp (NM_001723.7, NM_015548.5); c.4394G>A, p.Gly1465Asp (NM_001144769.5); c.3980G>A, p.Gly1327Asp (NM_001144770.2); c.4493G>A, p.Gly1498Asp (NM_001374722.1); c.4520G>A, p.Gly1507Asp (NM_001374734.1); short protein forms G1498D, G1327D, G1465D, G1507D, G961D, G1287D.
Identifiers: ClinVar variation 1971272 (VCV001971272.5), dbSNP rs770079828, ClinGen allele CA364573476.